The following is an entry in ClinVar:

NM_001008537.3(NEXMIF):c.1477_1480del (p.Leu493fs)

Gene: NEXMIF (neurite extension and migration factor; minus strand). Cytogenetic location: Xq13.3.
Variant type: Deletion.
Coding change: c.1477_1480del on transcript NM_001008537.3 (MANE Select); coding-DNA positions 1477 to 1480, 4 bases deleted (CTAT; older notation c.1477_1480delCTAT).
Protein change: p.Leu493fs; shifts the reading frame from leucine 493.
Molecular consequence: frameshift variant.
Genome position (GRCh38, 1-based): chrX:74,743,077-74,743,080, ATAG deleted on the plus strand (CTAT on the coding strand, the reverse complement: NEXMIF is on the minus strand); deleting any 4 consecutive bases within chrX:74,743,077-74,743,083 gives the same sequence; the c. name uses the placement nearest the transcript's 3' end. VCF-style (leftmost placement, unchanged base first): chrX-74743076-TATAG-T. GRCh37 (hg19) VCF-style: chrX-73962911-TATAG-T.
Other names: short protein forms L493fs.
Identifiers: ClinVar variation 2285153 (VCV002285153.2), dbSNP rs2519915343, ClinGen allele CA2580101515.

ClinVar aggregate classification (germline): Pathogenic (1 of 4 stars; one submission).

Submission:

Ambry Genetics
Classification: Pathogenic. Last evaluated: 2022-05-04. Review status: criteria provided, single submitter. Criteria: Ambry Variant Classification Scheme 2023. Collection method: clinical testing. Allele origin: germline.
Comment: The c.1477_1480delCTAT (p.L493Mfs*6) alteration, located in exon 3 (coding exon 2) of the KIAA2022 gene, consists of a deletion of 4 nucleotides from position 1477 to 1480, causing a translational frameshift with a predicted alternate stop codon after 6 amino acids. This alteration is expected to result in loss of function by premature protein truncation or nonsense-mediated mRNA decay. This variant was not reported in population-based cohorts in the Genome Aggregation Database (gnomAD). Based on the available evidence, this alteration is classified as pathogenic.